The following is an entry in ClinVar:

NM_016525.5(UBAP1):c.1485C>T (p.Leu495=)

Gene: UBAP1 (ubiquitin associated protein 1; plus strand). Cytogenetic location: 9p13.3.
Variant type: single nucleotide variant.
Coding change: c.1485C>T on transcript NM_016525.5 (MANE Select); coding-DNA position 1485, C replaced by T.
Protein change: p.Leu495=; no amino-acid change (leucine 495 retained).
Molecular consequence: synonymous variant. On other transcripts: non-coding transcript variant (1).
Genome position (GRCh38, 1-based): chr9:34,251,508, C>T. VCF-style: chr9-34251508-C-T. GRCh37 (hg19) VCF-style: chr9-34251506-C-T.
Other names: c.1677C>T, p.Leu559= (NM_001171201.1); c.1593C>T, p.Leu531= (NM_001171202.1); c.1485C>T, p.Leu495= (NM_001171203.3, NM_001171204.3).
Identifiers: ClinVar variation 3041002 (VCV003041002.4), dbSNP rs371234489, ClinGen allele CA5031591.

ClinVar aggregate classification (germline): Likely benign. Review status: criteria provided, single submitter (1 of 4 stars). 2 submissions from 2 submitters: Likely benign (1). 1 of the submissions does not count toward it. Last evaluated 2026-06-01.

Conditions:
UBAP1-related disorder. Also called: UBAP1-related condition.

Allele frequency attached by ClinVar (database versions not stated): ESP Exome Variant Server 0.00008; gnomAD exomes 0.00011; gnomAD 0.00014; ExAC 0.00019; TOPMed 0.00023.
gnomAD v4.1: 205 of 1,614,168 alleles (0.013%); highest among the groups gnomAD compares: Middle Eastern, 0.18%; no homozygotes.

Submissions (2):

CeGaT Center for Human Genetics Tuebingen
Classification: Likely benign. Last evaluated: 2026-06-01. Review status: criteria provided, single submitter. Criteria: CeGaT Center For Human Genetics Tuebingen Variant Classification Criteria Version 2. Collection method: clinical testing. Allele origin: germline. Affected: yes. Observed: 1 variant allele.
Comment: UBAP1: BP4, BP7

PreventionGenetics, part of Exact Sciences
Classification: Likely benign for UBAP1-related condition. Last evaluated: 2020-01-06. Review status: no assertion criteria provided. Collection method: clinical testing. Allele origin: germline. Not counted in ClinVar's aggregate classification.
Comment: This variant is classified as likely benign based on ACMG/AMP sequence variant interpretation guidelines (Richards et al. 2015 PMID: 25741868, with internal and published modifications).